The following is an entry in ClinVar:

NM_022168.4(IFIH1):c.1828G>A (p.Ala610Thr)

Gene: IFIH1 (interferon induced with helicase C domain 1; minus strand). Cytogenetic location: 2q24.2.
Variant type: single nucleotide variant.
Coding change: c.1828G>A on transcript NM_022168.4 (MANE Select); coding-DNA position 1828, G replaced by A.
Protein change: p.Ala610Thr; replaces alanine 610 with threonine.
Molecular consequence: missense variant.
Genome position (GRCh38, 1-based): chr2:162,277,631, C>T on the plus strand (G>A on the coding strand, the complement: IFIH1 is on the minus strand). VCF-style: chr2-162277631-C-T. GRCh37 (hg19) VCF-style: chr2-163134141-C-T.
Other names: short protein forms A610T.
Identifiers: ClinVar variation 2636150 (VCV002636150.1), dbSNP rs558387118, ClinGen allele CA1934375.

ClinVar aggregate classification (germline): Uncertain significance (1 of 4 stars; one submission).

Conditions:
IFIH1-related disorder. Also called: IFIH1-related condition.

Allele frequency attached by ClinVar (database versions not stated): gnomAD exomes below 0.00001; ExAC 0.00001; gnomAD 0.00001; 1000 Genomes Project 30x 0.00016; 1000 Genomes Project 0.00020.
gnomAD v4.1: 5 of 1,612,988 alleles (0.00031%); highest among the groups gnomAD compares: Admixed American, 0.0017%; no homozygotes.

Submission:

PreventionGenetics, part of Exact Sciences
Classification: Uncertain significance for IFIH1-related condition. Last evaluated: 2023-06-10. Review status: criteria provided, single submitter. Criteria: ACMG Guidelines, 2015. Collection method: clinical testing. Allele origin: germline.
Comment: The IFIH1 c.1828G>A variant is predicted to result in the amino acid substitution p.Ala610Thr. To our knowledge, this variant has not been reported in the literature. This variant is reported in 0.0029% of alleles in individuals of Latino descent in gnomAD. At this time, the clinical significance of this variant is uncertain due to the absence of conclusive functional and genetic evidence.